The following is an entry in ClinVar:

ClinVar aggregate classification (germline): Uncertain significance (1 of 4 stars; one submission).

Allele frequency attached by ClinVar (database versions not stated): gnomAD exomes below 0.00001.
gnomAD v4.1: 1 of 1,611,080 alleles (0.000062%); highest among the groups gnomAD compares: Non-Finnish European, 0.000085%; no homozygotes.

Submission:

Labcorp Genetics (formerly Invitae), Labcorp
Classification: Uncertain significance. Last evaluated: 2023-11-06. Review status: criteria provided, single submitter. Criteria: Invitae Variant Classification Sherloc (09022015). Collection method: clinical testing. Allele origin: germline.
Comment: This sequence change replaces aspartic acid, which is acidic and polar, with histidine, which is basic and polar, at codon 749 of the FGFR3 protein (p.Asp749His). This variant is not present in population databases (gnomAD no frequency). This variant has not been reported in the literature in individuals affected with FGFR3-related conditions. Advanced modeling of protein sequence and biophysical properties (such as structural, functional, and spatial information, amino acid conservation, physicochemical variation, residue mobility, and thermodynamic stability) has been performed at Invitae for this missense variant, however the output from this modeling did not meet the statistical confidence thresholds required to predict the impact of this variant on FGFR3 protein function. In summary, the available evidence is currently insufficient to determine the role of this variant in disease. Therefore, it has been classified as a Variant of Uncertain Significance.

NM_000142.5(FGFR3):c.2245G>C (p.Asp749His)

Gene: FGFR3 (fibroblast growth factor receptor 3; plus strand). Cytogenetic location: 4p16.3.
Variant type: single nucleotide variant.
Coding change: c.2245G>C on transcript NM_000142.5 (MANE Select); coding-DNA position 2245, G replaced by C.
Protein change: p.Asp749His; replaces aspartic acid 749 with histidine.
Molecular consequence: missense variant. On other transcripts: non-coding transcript variant (1).
Genome position (GRCh38, 1-based): chr4:1,806,905, G>C. VCF-style: chr4-1806905-G-C. GRCh37 (hg19) VCF-style: chr4-1808632-G-C.
Other names: c.2251G>C, p.Asp751His (NM_001163213.2); c.2248G>C, p.Asp750His (NM_001354809.2); c.2177G>C, p.Gly726Ala (NM_001354810.2); c.1909G>C, p.Asp637His (NM_022965.4); short protein forms D751H, D637H, D749H, G726A, D750H.
Identifiers: ClinVar variation 2693710 (VCV002693710.3), dbSNP rs2108814788, ClinGen allele CA355985659.